The following is an entry in ClinVar:

ClinVar aggregate classification (germline): Conflicting classifications of pathogenicity. Review status: criteria provided, conflicting classifications (1 of 4 stars). 7 submissions from 7 submitters: Uncertain significance (1); Benign (1); Likely benign (2). 3 of the submissions do not count toward it. Last evaluated 2025-11-10.

Conditions:
GPC3-related disorder. Also called: GPC3-related condition.
Inborn genetic diseases. Identifiers: MedGen C0950123, MeSH D030342.
Wilms tumor 1 (WT1). Also called: Wilms tumor, somatic. Identifiers: Orphanet 654, MedGen CN033288, MONDO:0008679, OMIM 194070.

Allele frequency attached by ClinVar (database versions not stated): gnomAD exomes 0.00005 and 0.00026; ExAC 0.00008; TOPMed 0.00012; gnomAD 0.00014; ESP Exome Variant Server 0.00019.
gnomAD v4.1: 299 of 1,209,394 alleles (0.025%); highest among the groups gnomAD compares: Non-Finnish European, 0.032%; no homozygotes.

Submissions (7):

Labcorp Genetics (formerly Invitae), Labcorp
Classification: Benign for Wilms tumor 1. Last evaluated: 2025-11-10. Review status: criteria provided, single submitter. Criteria: Invitae Variant Classification Sherloc (09022015). Collection method: clinical testing. Allele origin: germline.

Ambry Genetics
Classification: Likely benign for Inborn genetic diseases. Last evaluated: 2025-08-31. Review status: criteria provided, single submitter. Criteria: Ambry Variant Classification Scheme 2023. Collection method: clinical testing. Allele origin: germline.

Institute for Clinical Genetics, University Hospital TU Dresden, University Hospital TU Dresden
Classification: Uncertain significance. Last evaluated: 2021-11-03. Review status: criteria provided, single submitter. Criteria: ACMG Guidelines, 2015. Collection method: clinical testing. Allele origin: germline.

GeneDx
Classification: Likely benign. Last evaluated: 2019-03-25. Review status: criteria provided, single submitter. Criteria: GeneDx Variant Classification Process June 2021. Collection method: clinical testing. Allele origin: germline. Affected: yes.

PreventionGenetics, part of Exact Sciences
Classification: Likely benign for GPC3-related condition. Last evaluated: 2022-04-05. Review status: no assertion criteria provided. Collection method: clinical testing. Allele origin: germline. Not counted in ClinVar's aggregate classification.
Comment: This variant is classified as likely benign based on ACMG/AMP sequence variant interpretation guidelines (Richards et al. 2015 PMID: 25741868, with internal and published modifications).

Clinical Genetics DNA and cytogenetics Diagnostics Lab, Erasmus MC, Erasmus Medical Center
Classification: Likely benign. Review status: no assertion criteria provided. Collection method: clinical testing. Allele origin: germline. Affected: yes. Study: VKGL Data-share Consensus. Not counted in ClinVar's aggregate classification.

Genome Diagnostics Laboratory, University Medical Center Utrecht
Classification: Likely benign. Review status: no assertion criteria provided. Collection method: clinical testing. Allele origin: germline. Affected: yes. Study: VKGL Data-share Consensus. Not counted in ClinVar's aggregate classification.

NM_004484.4(GPC3):c.172C>T (p.Pro58Ser)

Gene: GPC3 (glypican 3; minus strand). Cytogenetic location: Xq26.2.
Variant type: single nucleotide variant.
Coding change: c.172C>T on transcript NM_004484.4 (MANE Select); coding-DNA position 172, C replaced by T.
Protein change: p.Pro58Ser; replaces proline 58 with serine.
Molecular consequence: missense variant.
Genome position (GRCh38, 1-based): chrX:133,985,278, G>A on the plus strand (C>T on the coding strand, the complement: GPC3 is on the minus strand). VCF-style: chrX-133985278-G-A. GRCh37 (hg19) VCF-style: chrX-133119305-G-A.
Other names: c.172C>T, p.Pro58Ser (NM_001164617.2, NM_001164618.2, NM_001164619.2); short protein forms P58S.
Identifiers: ClinVar variation 239941 (VCV000239941.25), dbSNP rs147231796, ClinGen allele CA10520883.